The following is an entry in ClinVar:

ClinVar aggregate classification (germline): Uncertain significance (1 of 4 stars; one submission).

Conditions:
Kabuki syndrome 2 (KABUK2). Also called: KDM6A-Related Kabuki Syndrome. Identifiers: Orphanet 2322, MedGen C3275495, MONDO:0010465, OMIM 300867.

gnomAD v4.1: 1 of 1,211,679 alleles (0.000083%); highest among the groups gnomAD compares: African/African-American, 0.0017%; no homozygotes.

Submission:

Labcorp Genetics (formerly Invitae), Labcorp
Classification: Uncertain significance for Kabuki syndrome 2. Last evaluated: 2025-11-01. Review status: criteria provided, single submitter. Criteria: Invitae Variant Classification Sherloc (09022015). Collection method: clinical testing. Allele origin: germline.
Comment: This sequence change replaces valine, which is neutral and non-polar, with isoleucine, which is neutral and non-polar, at codon 553 of the KDM6A protein (p.Val553Ile). The frequency data for this variant in the population databases is considered unreliable, as metrics indicate poor data quality at this position in the gnomAD database. This variant has not been reported in the literature in individuals affected with KDM6A-related conditions. Invitae Evidence Modeling of protein sequence and biophysical properties (such as structural, functional, and spatial information, amino acid conservation, physicochemical variation, residue mobility, and thermodynamic stability) indicates that this missense variant is not expected to disrupt KDM6A protein function with a negative predictive value of 80%. In summary, the available evidence is currently insufficient to determine the role of this variant in disease. Therefore, it has been classified as a Variant of Uncertain Significance.

NM_001291415.2(KDM6A):c.1813G>A (p.Val605Ile)

Gene: KDM6A (lysine demethylase 6A; plus strand). Cytogenetic location: Xp11.3.
Variant type: single nucleotide variant.
Coding change: c.1813G>A on transcript NM_001291415.2 (MANE Select); coding-DNA position 1813, G replaced by A.
Protein change: p.Val605Ile; replaces valine 605 with isoleucine.
Molecular consequence: missense variant. On other transcripts: non-coding transcript variant (1).
Genome position (GRCh38, 1-based): chrX:45,063,551, G>A. VCF-style: chrX-45063551-G-A. GRCh37 (hg19) VCF-style: chrX-44922796-G-A.
Other names: c.1678G>A, p.Val560Ile (NM_001291416.2, NM_001419811.1); c.1522G>A, p.Val508Ile (NM_001291417.2); c.1420G>A, p.Val474Ile (NM_001291418.2, NM_001419815.1); c.769G>A, p.Val257Ile (NM_001291421.2); c.1555G>A, p.Val519Ile (NM_001410742.1, NM_001419814.1); c.1813G>A, p.Val605Ile (NM_001419809.1); c.1711G>A, p.Val571Ile (NM_001419810.1, NM_001419813.1); c.1657G>A, p.Val553Ile (NM_001419812.1, NM_021140.4); short protein forms V519I, V571I, V605I, V553I, V560I, V257I, V474I, V508I.
Identifiers: ClinVar variation 4709168 (VCV004709168.1).
Genomic context (GRCh38, chrX:45,063,551, plus strand): 5'-CTGCCTACAAACTCAGTCTCTGGCCAGCAGCCACAGCTTGCTCTGACCAGAGTGCCTAGC[G>A]TCTCTCAGCCTGGAGTCCGTCCTGCCTGCCCTGGGCAGCCTTTGGCCAATGGACCCTTTT-3'
Protein context (NP_001278344.1, residues 595-615): PQLALTRVPS[Val605Ile]SQPGVRPACP